The following is an entry in ClinVar:

ClinVar aggregate classification (germline): Uncertain significance (1 of 4 stars; one submission).

Conditions:
Brugada syndrome. Also called: Sudden Unexplained Nocturnal Death Syndrome (SUNDS); Sudden Unexplained Death Syndrome; Sudden unexpected nocturnal death syndrome; Sudden unexplained nocturnal death syndrome. Identifiers: Orphanet 130, MedGen C1142166, MONDO:0015263.

Submission:

Labcorp Genetics (formerly Invitae), Labcorp
Classification: Uncertain significance for Brugada syndrome. Last evaluated: 2024-08-11. Review status: criteria provided, single submitter. Criteria: Invitae Variant Classification Sherloc (09022015). Collection method: clinical testing. Allele origin: germline.
Comment: This sequence change replaces histidine, which is basic and polar, with asparagine, which is neutral and polar, at codon 15 of the SLMAP protein (p.His15Asn). This variant is not present in population databases (gnomAD no frequency). This variant has not been reported in the literature in individuals affected with SLMAP-related conditions. An algorithm developed to predict the effect of missense changes on protein structure and function (PolyPhen-2) suggests that this variant is likely to be disruptive. In summary, the available evidence is currently insufficient to determine the role of this variant in disease. Therefore, it has been classified as a Variant of Uncertain Significance.

NM_001377540.1(SLMAP):c.43C>A (p.His15Asn)

Gene: SLMAP (sarcolemma associated protein; plus strand). Cytogenetic location: 3p14.3.
Variant type: single nucleotide variant.
Coding change: c.43C>A on transcript NM_001377540.1 (MANE Select); coding-DNA position 43, C replaced by A.
Protein change: p.His15Asn; replaces histidine 15 with asparagine.
Molecular consequence: missense variant. On other transcripts: non-coding transcript variant (1).
Genome position (GRCh38, 1-based): chr3:57,757,694, C>A. VCF-style: chr3-57757694-C-A. GRCh37 (hg19) VCF-style: chr3-57743421-C-A.
Other names: c.43C>A, p.His15Asn (NM_001304420.3, NM_001304421.2, NM_001377538.1 and 17 more transcripts); short protein forms H15N.
Identifiers: ClinVar variation 3661973 (VCV003661973.2).